The following is an entry in ClinVar:

NM_000234.3(LIG1):c.2086G>A (p.Ala696Thr)

Gene: LIG1 (DNA ligase 1; minus strand). Cytogenetic location: 19q13.33.
Variant type: single nucleotide variant.
Coding change: c.2086G>A on transcript NM_000234.3 (MANE Select); coding-DNA position 2086, G replaced by A.
Protein change: p.Ala696Thr; replaces alanine 696 with threonine.
Molecular consequence: missense variant. On other transcripts: non-coding transcript variant (6).
Genome position (GRCh38, 1-based): chr19:48,123,237, C>T on the plus strand (G>A on the coding strand, the complement: LIG1 is on the minus strand). VCF-style: chr19-48123237-C-T. GRCh37 (hg19) VCF-style: chr19-48626494-C-T.
Other names: c.1993G>A, p.Ala665Thr (NM_001289063.2); c.1882G>A, p.Ala628Thr (NM_001289064.2); c.2083G>A, p.Ala695Thr (NM_001320970.2); c.1996G>A, p.Ala666Thr (NM_001320971.2); short protein forms A628T, A665T, A666T, A695T, A696T.
Identifiers: ClinVar variation 1371253 (VCV001371253.3), dbSNP rs373324917, ClinGen allele CA9546558.

ClinVar aggregate classification (germline): Uncertain significance (1 of 4 stars; one submission).

Allele frequency attached by ClinVar (database versions not stated): ExAC 0.00002; gnomAD 0.00003; gnomAD exomes 0.00003 and 0.00012; TOPMed 0.00005; ESP Exome Variant Server 0.00008.
gnomAD v4.1: 178 of 1,613,902 alleles (0.011%); highest among the groups gnomAD compares: Non-Finnish European, 0.014%; no homozygotes.

Submission:

Labcorp Genetics (formerly Invitae), Labcorp
Classification: Uncertain significance. Last evaluated: 2022-07-19. Review status: criteria provided, single submitter. Criteria: Invitae Variant Classification Sherloc (09022015). Collection method: clinical testing. Allele origin: germline.
Comment: This sequence change replaces alanine, which is neutral and non-polar, with threonine, which is neutral and polar, at codon 696 of the LIG1 protein (p.Ala696Thr). This variant is present in population databases (rs373324917, gnomAD 0.006%). This variant has not been reported in the literature in individuals affected with LIG1-related conditions. ClinVar contains an entry for this variant (Variation ID: 1371253). Algorithms developed to predict the effect of missense changes on protein structure and function are either unavailable or do not agree on the potential impact of this missense change (SIFT: "Tolerated"; PolyPhen-2: "Possibly Damaging"; Align-GVGD: "Class C0"). In summary, the available evidence is currently insufficient to determine the role of this variant in disease. Therefore, it has been classified as a Variant of Uncertain Significance.